The following is an entry in ClinVar:

NM_001040108.2(MLH3):c.2513G>T (p.Cys838Phe)

Gene: MLH3 (mutL homolog 3; minus strand). Cytogenetic location: 14q24.3.
Variant type: single nucleotide variant.
Coding change: c.2513G>T on transcript NM_001040108.2 (MANE Select); coding-DNA position 2513, G replaced by T.
Protein change: p.Cys838Phe; replaces cysteine 838 with phenylalanine.
Molecular consequence: missense variant.
Genome position (GRCh38, 1-based): chr14:75,047,143, C>A on the plus strand (G>T on the coding strand, the complement: MLH3 is on the minus strand). VCF-style: chr14-75047143-C-A. GRCh37 (hg19) VCF-style: chr14-75513846-C-A.
Other names: c.2513G>T, p.Cys838Phe (NM_014381.3); short protein forms C838F.
Identifiers: ClinVar variation 1792428 (VCV001792428.2), dbSNP rs2503268304, ClinGen allele CA390440076.

ClinVar aggregate classification (germline): Uncertain significance (1 of 4 stars; one submission).

Submission:

Ambry Genetics
Classification: Uncertain significance. Last evaluated: 2021-12-11. Review status: criteria provided, single submitter. Criteria: Ambry Variant Classification Scheme 2023. Collection method: clinical testing. Allele origin: germline.
Comment: The p.C838F variant (also known as c.2513G>T), located in coding exon 1 of the MLH3 gene, results from a G to T substitution at nucleotide position 2513. The cysteine at codon 838 is replaced by phenylalanine, an amino acid with highly dissimilar properties. This amino acid position is conserved. In addition, this alteration is predicted to be tolerated by in silico analysis. Since supporting evidence is limited at this time, the clinical significance of this alteration remains unclear.